The following is an entry in ClinVar:

ClinVar aggregate classification (germline): Uncertain significance (1 of 4 stars; one submission).

Allele frequency attached by ClinVar (database versions not stated): gnomAD 0.00001; ExAC 0.00002.

Submission:

Labcorp Genetics (formerly Invitae), Labcorp
Classification: Uncertain significance. Last evaluated: 2023-12-09. Review status: criteria provided, single submitter. Criteria: Invitae Variant Classification Sherloc (09022015). Collection method: clinical testing. Allele origin: germline.
Comment: This sequence change affects a donor splice site in intron 2 of the MATN3 gene. It is expected to disrupt RNA splicing. Variants that disrupt the donor or acceptor splice site typically lead to a loss of protein function (PMID: 16199547), however the current clinical and genetic evidence is not sufficient to establish whether loss-of-function variants in MATN3 cause disease. This variant is present in population databases (rs759213910, gnomAD 0.007%). This variant has not been reported in the literature in individuals affected with MATN3-related conditions. Algorithms developed to predict the effect of sequence changes on RNA splicing suggest that this variant may disrupt the consensus splice site. In summary, the available evidence is currently insufficient to determine the role of this variant in disease. Therefore, it has been classified as a Variant of Uncertain Significance.

Literature cited by the submitters: PubMed 16199547.

NM_002381.5(MATN3):c.790+1G>T

Gene: MATN3 (matrilin 3; minus strand). Cytogenetic location: 2p24.1.
Variant type: single nucleotide variant.
Coding change: c.790+1G>T on transcript NM_002381.5 (MANE Select); the canonical splice donor site of the intron after coding-DNA position 790, G replaced by T.
Molecular consequence: splice donor variant.
Genome position (GRCh38, 1-based): chr2:20,005,743, C>A on the plus strand (G>T on the coding strand, the complement: MATN3 is on the minus strand). VCF-style: chr2-20005743-C-A. GRCh37 (hg19) VCF-style: chr2-20205504-C-A.
Identifiers: ClinVar variation 3015181 (VCV003015181.3), dbSNP rs759213910, ClinGen allele CA1543906.
Genomic context (GRCh38, chr2:20,005,743, plus strand): 5'-GGGTACACAATGTCTGAATATAACATCCTTTCTAGTTGGAAGCAAAGACTGACCAACTTA[C>A]CACAGAAGGTTTCCTGGAATCTAGAGGAAAGTTTCTCAATGACCCCATAGGTCTCCACGT-3'